The following is an entry in ClinVar:

ClinVar aggregate classification (germline): Likely benign. Review status: criteria provided, multiple submitters, no conflicts (2 of 4 stars). 3 submissions from 3 submitters: Likely benign (3). Last evaluated 2026-09-01.

Allele frequency attached by ClinVar (database versions not stated): gnomAD exomes 0.00001; TOPMed 0.00001; gnomAD 0.00002.
gnomAD v4.1: 27 of 1,610,808 alleles (0.0017%); highest among the groups gnomAD compares: Admixed American, 0.005%; no homozygotes.

Submissions (3):

CeGaT Center for Human Genetics Tuebingen
Classification: Likely benign. Last evaluated: 2026-09-01. Review status: criteria provided, single submitter. Criteria: CeGaT Center For Human Genetics Tuebingen Variant Classification Criteria Version 2. Collection method: clinical testing. Allele origin: germline. Affected: yes. Observed: 1 variant allele.
Comment: SPEG: BP4, BP7

Labcorp Genetics (formerly Invitae), Labcorp
Classification: Likely benign. Last evaluated: 2025-08-03. Review status: criteria provided, single submitter. Criteria: Invitae Variant Classification Sherloc (09022015). Collection method: clinical testing. Allele origin: germline.

Blueprint Genetics
Classification: Likely benign. Last evaluated: 2024-02-09. Review status: criteria provided, single submitter. Criteria: ACMG Guidelines, 2015. Collection method: clinical testing. Allele origin: germline.

NM_005876.5(SPEG):c.7983C>T (p.Asn2661=)

Genes: ASIC4-AS1 (ASIC4 antisense RNA 1; minus strand), SPEG (striated muscle enriched protein kinase; plus strand). Cytogenetic location: 2q35.
Variant type: single nucleotide variant.
Coding change: c.7983C>T on transcript NM_005876.5 (MANE Select); coding-DNA position 7983, C replaced by T.
Protein change: p.Asn2661=; no amino-acid change (asparagine 2661 retained).
Molecular consequence: synonymous variant.
Genome position (GRCh38, 1-based): chr2:219,488,622, C>T. VCF-style: chr2-219488622-C-T. GRCh37 (hg19) VCF-style: chr2-220353344-C-T.
Identifiers: ClinVar variation 1908538 (VCV001908538.7), dbSNP rs200645290, ClinGen allele CA65996267.